The following is an entry in ClinVar:

NM_001430.5(EPAS1):c.1910C>T (p.Thr637Ile)

Gene: EPAS1 (endothelial PAS domain protein 1; plus strand). Cytogenetic location: 2p21.
Variant type: single nucleotide variant.
Coding change: c.1910C>T on transcript NM_001430.5 (MANE Select); coding-DNA position 1910, C replaced by T.
Protein change: p.Thr637Ile; replaces threonine 637 with isoleucine.
Molecular consequence: missense variant.
Genome position (GRCh38, 1-based): chr2:46,380,582, C>T. VCF-style: chr2-46380582-C-T. GRCh37 (hg19) VCF-style: chr2-46607721-C-T.
Other names: short protein forms T637I.
Identifiers: ClinVar variation 1782500 (VCV001782500.2), dbSNP rs201839288, ClinGen allele CA1645147.

ClinVar aggregate classification (germline): Uncertain significance (1 of 4 stars; one submission).

Conditions:
Inborn genetic diseases. Identifiers: MedGen C0950123, MeSH D030342.

Allele frequency attached by ClinVar (database versions not stated): ExAC 0.00001; gnomAD 0.00001; gnomAD exomes 0.00001; 1000 Genomes Project 30x 0.00016; 1000 Genomes Project 0.00020.
gnomAD v4.1: 7 of 1,614,114 alleles (0.00043%); highest among the groups gnomAD compares: East Asian, 0.011%; no homozygotes.

Submission:

Ambry Genetics
Classification: Uncertain significance for Inborn genetic diseases. Last evaluated: 2022-01-21. Review status: criteria provided, single submitter. Criteria: Ambry Variant Classification Scheme 2023. Collection method: clinical testing. Allele origin: germline.
Comment: The p.T637I variant (also known as c.1910C>T), located in coding exon 12 of the EPAS1 gene, results from a C to T substitution at nucleotide position 1910. The threonine at codon 637 is replaced by isoleucine, an amino acid with similar properties. This amino acid position is conserved. In addition, this alteration is predicted to be tolerated by in silico analysis. Since supporting evidence is limited at this time, the clinical significance of this alteration remains unclear.